The following is an entry in ClinVar:

NM_001100913.3(PACS2):c.2455G>A (p.Val819Met)

Gene: PACS2 (phosphofurin acidic cluster sorting protein 2; plus strand). Cytogenetic location: 14q32.33.
Variant type: single nucleotide variant.
Coding change: c.2455G>A on transcript NM_001100913.3 (MANE Select); coding-DNA position 2455, G replaced by A.
Protein change: p.Val819Met; replaces valine 819 with methionine.
Molecular consequence: missense variant.
Genome position (GRCh38, 1-based): chr14:105,392,818, G>A. VCF-style: chr14-105392818-G-A. GRCh37 (hg19) VCF-style: chr14-105859155-G-A.
Other names: c.2185G>A, p.Val729Met (NM_001243127.3); c.2410G>A, p.Val804Met (NM_015197.4); short protein forms V729M, V804M, V819M.
Identifiers: ClinVar variation 3388799 (VCV003388799.15).

ClinVar aggregate classification (germline): Conflicting classifications of pathogenicity. Review status: criteria provided, conflicting classifications (1 of 4 stars). 2 submissions from 2 submitters: Uncertain significance (1); Likely benign (1). Last evaluated 2025-12-15.

gnomAD v4.1: 26 of 1,606,296 alleles (0.0016%); highest among the groups gnomAD compares: African/African-American, 0.0053%; no homozygotes.

Submissions (2):

Labcorp Genetics (formerly Invitae), Labcorp
Classification: Uncertain significance. Last evaluated: 2025-12-15. Review status: criteria provided, single submitter. Criteria: Invitae Variant Classification Sherloc (09022015). Collection method: clinical testing. Allele origin: germline.
Comment: This sequence change replaces valine, which is neutral and non-polar, with methionine, which is neutral and non-polar, at codon 819 of the PACS2 protein (p.Val819Met). This variant is present in population databases (rs781922659, gnomAD 0.008%). This variant has not been reported in the literature in individuals affected with PACS2-related conditions. ClinVar contains an entry for this variant (Variation ID: 3388799). Invitae Evidence Modeling of protein sequence and biophysical properties (such as structural, functional, and spatial information, amino acid conservation, physicochemical variation, residue mobility, and thermodynamic stability) indicates that this missense variant is expected to disrupt PACS2 protein function with a positive predictive value of 80%. In summary, the available evidence is currently insufficient to determine the role of this variant in disease. Therefore, it has been classified as a Variant of Uncertain Significance.

CeGaT Center for Human Genetics Tuebingen
Classification: Likely benign. Last evaluated: 2024-10-01. Review status: criteria provided, single submitter. Criteria: CeGaT Center For Human Genetics Tuebingen Variant Classification Criteria Version 2. Collection method: clinical testing. Allele origin: germline. Affected: yes. Observed: 1 variant allele.
Comment: PACS2: BS2